The following is an entry in ClinVar:

ClinVar aggregate classification (germline): Uncertain significance. Review status: criteria provided, multiple submitters, no conflicts (2 of 4 stars). 3 submissions from 3 submitters: Uncertain significance (3). Last evaluated 2024-12-08.

Conditions:
Autosomal dominant nonsyndromic hearing loss 65. Also called: Deafness, autosomal dominant 65; TBC1D24-Related Autosomal Dominant Nonsyndromic Hearing Loss (DFNA). Identifiers: Orphanet 90635, MedGen C3892048, MONDO:0014470, OMIM 616044.
Developmental and epileptic encephalopathy, 1 (DEE1). Also called: Epileptic encephalopathy, early infantile, 1; X-linked infantile spasms; West's syndrome; Tonic spasms with clustering, arrest of psychomotor development and hypsarrhythmia on EEG; X-Linked Infantile Spasm Syndrome; OHTAHARA SYNDROME, X-LINKED. Identifiers: MedGen C3463992, MONDO:0010632, OMIM 308350. Disease mechanism: loss of function.
Inborn genetic diseases. Identifiers: MedGen C0950123, MeSH D030342.
Developmental and epileptic encephalopathy, 16 (DEE16). Also called: Early infantile epileptic encephalopathy 16; TBC1D24-Related Developmental and Epileptic Encephalopathy (DEE). Identifiers: Orphanet 293181, Orphanet 352596, MedGen C3809173, MONDO:0014133, OMIM 615338.

Allele frequency attached by ClinVar (database versions not stated): ExAC 0.00001; gnomAD exomes 0.00001; TOPMed 0.00001.
gnomAD v4.1: 9 of 1,613,942 alleles (0.00056%); highest among the groups gnomAD compares: South Asian, 0.0022%; no homozygotes.

Submissions (3):

Labcorp Genetics (formerly Invitae), Labcorp
Classification: Uncertain significance for Developmental and epileptic encephalopathy, 1; Autosomal dominant nonsyndromic hearing loss 65. Last evaluated: 2024-12-08. Review status: criteria provided, single submitter. Criteria: Invitae Variant Classification Sherloc (09022015). Collection method: clinical testing. Allele origin: germline.
Comment: This sequence change replaces valine, which is neutral and non-polar, with methionine, which is neutral and non-polar, at codon 10 of the TBC1D24 protein (p.Val10Met). This variant is present in population databases (rs767293945, gnomAD 0.003%). This variant has not been reported in the literature in individuals affected with TBC1D24-related conditions. ClinVar contains an entry for this variant (Variation ID: 646598). Invitae Evidence Modeling of protein sequence and biophysical properties (such as structural, functional, and spatial information, amino acid conservation, physicochemical variation, residue mobility, and thermodynamic stability) has been performed for this missense variant. However, the output from this modeling did not meet the statistical confidence thresholds required to predict the impact of this variant on TBC1D24 protein function. In summary, the available evidence is currently insufficient to determine the role of this variant in disease. Therefore, it has been classified as a Variant of Uncertain Significance.

Ambry Genetics
Classification: Uncertain significance for Inborn genetic diseases. Last evaluated: 2022-06-10. Review status: criteria provided, single submitter. Criteria: Ambry Variant Classification Scheme 2023. Collection method: clinical testing. Allele origin: germline.

3billion
Classification: Uncertain significance for Developmental and epileptic encephalopathy, 16. Last evaluated: 2022-01-03. Review status: criteria provided, single submitter. Criteria: ACMG Guidelines, 2015. Collection method: clinical testing. Allele origin: germline. Affected: yes. Observed: 1 heterozygote.
Comment: This vairant is observed at an extremely low frequency in the gnomAD v2.1.1 dataset (total allele frequency: 0.000008, PM2_M). In silico tool predictions suggest damaging effect of the variant on gene or gene product (3CNET: 0.941, PP3_P). A missense variant is a common mechanism associated with Epileptic encephalopathy (PP2_P). Therefore, this variant is classified as uncertain significance according to the recommendation of ACMG/AMP guideline.

NM_001199107.2(TBC1D24):c.28G>A (p.Val10Met)

Gene: TBC1D24 (TBC1 domain family member 24; plus strand). Cytogenetic location: 16p13.3.
Variant type: single nucleotide variant.
Coding change: c.28G>A on transcript NM_001199107.2 (MANE Select); coding-DNA position 28, G replaced by A.
Protein change: p.Val10Met; replaces valine 10 with methionine.
Molecular consequence: missense variant.
Genome position (GRCh38, 1-based): chr16:2,496,176, G>A. VCF-style: chr16-2496176-G-A. GRCh37 (hg19) VCF-style: chr16-2546177-G-A.
Other names: c.28G>A, p.Val10Met (NM_020705.3); short protein forms V10M.
Identifiers: ClinVar variation 646598 (VCV000646598.11), dbSNP rs767293945, ClinGen allele CA7843908.